The following is an entry in ClinVar:

ClinVar aggregate classification (germline): Uncertain significance (1 of 4 stars; one submission).

Submission:

GeneDx
Classification: Uncertain significance. Last evaluated: 2024-06-25. Review status: criteria provided, single submitter. Criteria: GeneDx Variant Classification Process June 2021. Collection method: clinical testing. Allele origin: germline. Affected: yes.
Comment: Not observed at significant frequency in large population cohorts (gnomAD); In silico analysis supports that this missense variant has a deleterious effect on protein structure/function; Has not been previously published as pathogenic or benign to our knowledge

NM_003128.3(SPTBN1):c.1221A>C (p.Glu407Asp)

Gene: SPTBN1 (spectrin beta, non-erythrocytic 1; plus strand). Cytogenetic location: 2p16.2.
Variant type: single nucleotide variant.
Coding change: c.1221A>C on transcript NM_003128.3 (MANE Select); coding-DNA position 1221, A replaced by C.
Protein change: p.Glu407Asp; replaces glutamic acid 407 with aspartic acid.
Molecular consequence: missense variant.
Genome position (GRCh38, 1-based): chr2:54,624,842, A>C. VCF-style: chr2-54624842-A-C. GRCh37 (hg19) VCF-style: chr2-54851979-A-C.
Other names: c.1182A>C, p.Glu394Asp (NM_178313.3); short protein forms E394D, E407D.
Identifiers: ClinVar variation 3392606 (VCV003392606.1).